The following is an entry in ClinVar:

NM_000329.3(RPE65):c.1360del (p.Thr454fs)

Gene: RPE65 (retinoid isomerohydrolase RPE65; minus strand). Cytogenetic location: 1p31.3.
Variant type: Deletion.
Coding change: c.1360del on transcript NM_000329.3 (MANE Select); coding-DNA position 1360, one base deleted (A; older notation c.1360delA).
Protein change: p.Thr454fs; shifts the reading frame from threonine 454.
Molecular consequence: frameshift variant.
Genome position (GRCh38, 1-based): chr1:68,431,155, T deleted on the plus strand (A on the coding strand, the reverse complement: RPE65 is on the minus strand); the first of 4 consecutive T bases (chr1:68,431,155-68,431,158); deleting any one gives the same sequence. VCF-style (leftmost placement, unchanged base first): chr1-68431154-GT-G. GRCh37 (hg19) VCF-style: chr1-68896837-GT-G.
Other names: NM_000329.3(RPE65):c.1360del; p.Thr454fs; short protein forms T454fs.
Identifiers: ClinVar variation 1452575 (VCV001452575.7), dbSNP rs2100807036, ClinGen allele CA2573132571.

ClinVar aggregate classification (germline): Pathogenic. Review status: reviewed by expert panel (3 of 4 stars). 2 submissions from 2 submitters: Pathogenic (1). 1 of the submissions does not count toward it. Last evaluated 2024-04-22.

Conditions:
RPE65-related recessive retinopathy. Also called: Recessive RPE65 retinopathy. Identifiers: MedGen CN305526, MONDO:0100368.
Retinitis pigmentosa 20 (RP20). Identifiers: Orphanet 791, MedGen C3151086, MONDO:0013425, OMIM 613794.
Leber congenital amaurosis 2 (LCA2). Also called: Autosomal Recessive RPE65-Related Retinal Degeneration; AMAUROSIS CONGENITA OF LEBER II. Identifiers: Orphanet 65, MedGen C1859844, MONDO:0008765, OMIM 204100. Disease mechanism: loss of function.

Submissions (2):

ClinGen Leber Congenital Amaurosis/early Onset Retinal Dystrophy Variant Curation Expert Panel, ClinGen
Classification: Pathogenic for RPE65-related recessive retinopathy. Last evaluated: 2024-04-22. Review status: reviewed by expert panel. Criteria: ClinGen LCAeoRD ACMG Specifications RPE65 V1.0.0. Collection method: curation. Allele origin: germline. Inheritance: Autosomal recessive inheritance.
Comment: NM_000329.3(RPE65):c.1360del (p.Thr454LeufsTer?) is a frameshift variant that introduces a premature stop codon into exon 13 of 14, and is predicted to lead to nonsense-mediated decay in a gene in which loss-of-function is an established mechanism of disease (PVS1). This variant is absent from gnomAD v.2.1.1 (PM2_Supporting). At least one proband harboring this variant exhibits a phenotype including severely decreased ERG responses (0.5 pts), optic disc pallor (0.5 pts), pigmentary retinopathy with attenuated vessels (0.5 pts), symptomatic onset between birth and age five years (1 pt), decreased peripheral vision (1 pt), abnormal color vision (1 pt), decreased central visual acuity (1 pt), and nystagmus (1 pt), which together are specific for RPE65-related recessive retinopathy (6.5 points, PMID: 28130426, PP4). The variant has been reported to segregate with childhood-onset severe retinal dystrophy through the proband plus 1 similarly affected relative, with the variant present in the compound heterozygous state (PMID: 28130426, PP1). In summary, this variant meets the criteria to be classified as pathogenic for RPE65-related recessive retinopathy based on the ACMG/AMP criteria applied, as specified by the ClinGen LCA / eoRD VCEP: PVS1, PM2_Supporting, PP1, and PP4. (VCEP specifications version 1.0.0; date of approval 09/21/2023).

Labcorp Genetics (formerly Invitae), Labcorp
Classification: Pathogenic for Leber congenital amaurosis 2; Retinitis pigmentosa 20. Last evaluated: 2022-03-10. Review status: criteria provided, single submitter. Criteria: Invitae Variant Classification Sherloc (09022015). Collection method: clinical testing. Allele origin: germline. Not counted in ClinVar's aggregate classification.
Comment: This premature translational stop signal has been observed in individual(s) with rod-cone dystrophy (PMID: 28130426). In at least one individual the data is consistent with being in trans (on the opposite chromosome) from a pathogenic variant. It has also been observed to segregate with disease in related individuals. This variant is not present in population databases (gnomAD no frequency). This sequence change creates a premature translational stop signal (p.Thr454Leufs*32) in the RPE65 gene. While this is not anticipated to result in nonsense mediated decay, it is expected to disrupt the last 80 amino acid(s) of the RPE65 protein. This variant disrupts a region of the RPE65 protein in which other variant(s) (p.Phe530Leu) have been determined to be pathogenic (PMID: 25383945, 26047050, 33952291). This suggests that this is a clinically significant region of the protein, and that variants that disrupt it are likely to be disease-causing. For these reasons, this variant has been classified as Pathogenic.

Literature cited by the submitters: PubMed 28130426 (cited by Labcorp Genetics (formerly Invitae), Labcorp); PubMed 25383945 (cited by Labcorp Genetics (formerly Invitae), Labcorp); PubMed 26047050 (cited by Labcorp Genetics (formerly Invitae), Labcorp); PubMed 33952291 (cited by Labcorp Genetics (formerly Invitae), Labcorp).